The following is an entry in ClinVar:

NM_000089.4(COL1A2):c.2422G>C (p.Gly808Arg)

Gene: COL1A2 (collagen type I alpha 2 chain; plus strand). Cytogenetic location: 7q21.3.
Variant type: single nucleotide variant.
Coding change: c.2422G>C on transcript NM_000089.4 (MANE Select); coding-DNA position 2422, G replaced by C.
Protein change: p.Gly808Arg; replaces glycine 808 with arginine.
Molecular consequence: missense variant.
Genome position (GRCh38, 1-based): chr7:94,422,975, G>C. VCF-style: chr7-94422975-G-C. GRCh37 (hg19) VCF-style: chr7-94052287-G-C.
Other names: short protein forms G808R.
Identifiers: ClinVar variation 5034740 (VCV005034740.1).

ClinVar aggregate classification (germline): Pathogenic (1 of 4 stars; one submission).

Conditions:
Cardiovascular phenotype. Identifiers: MedGen CN230736.

Submission:

Ambry Genetics
Classification: Pathogenic for Cardiovascular phenotype. Last evaluated: 2026-07-02. Review status: criteria provided, single submitter. Criteria: Ambry Variant Classification Scheme 2023. Collection method: clinical testing. Allele origin: germline.
Comment: The c.2422G>C (p.G808R) alteration is located in exon 40 (coding exon 40) of the COL1A2 gene. This alteration results from a G to C substitution at nucleotide position 2422, causing the glycine (G) at amino acid position 808 to be replaced by an arginine (R). for autosomal dominant COL1A2-related osteogenesis imperfecta/overlap disorder; however, its clinical significance for autosomal dominant COL1A2-related arthrochalasia type Ehlers-Danlos syndrome and autosomal recessive COL1A2-related cardiac valvular type Ehlers-Danlos syndrome is uncertain. This variant was not reported in population-based cohorts in the Genome Aggregation Database (gnomAD). Other variant(s) at the same codon, c.2422G>T (p.G808C), c.2422G>A (p.G808S), have been identified in individual(s) with features consistent with COL1A2-related osteogenesis imperfecta/overlap disorder, (Peng, 2021; Holtz, 2023). This amino acid position is highly conserved in available vertebrate species. The majority of pathogenic mutations identified to date in COL1A2 have involved the substitution of another amino acid for glycine within the triple-helical domain (Dalgleish, 1997; Marini, 2007; Bardai, 2016). Internal structural analysis indicates that this alteration disrupts the characteristic G-X-Y motif in the COL1A2 protein and inserts a bulky side chain into a sterically-constrained region (Bella, 1994; Hohenester, 2008; Ambry internal data). This alteration is predicted to be deleterious by in silico analysis. Based on the available evidence, this alteration is classified as pathogenic.

Literature cited by the submitters: PubMed 7695699; PubMed 9016532; PubMed 9724608; PubMed 17078022; PubMed 19011090; PubMed 27509835; PubMed 34567078; PubMed 36709916.